The following is an entry in ClinVar:

NM_001220.5(CAMK2B):c.276-14T>A

Gene: CAMK2B (calcium/calmodulin dependent protein kinase II beta; minus strand). Cytogenetic location: 7p13.
Variant type: single nucleotide variant.
Coding change: c.276-14T>A on transcript NM_001220.5 (MANE Select); 14 bases into the intron before coding-DNA position 276, T replaced by A.
Molecular consequence: intron variant.
Genome position (GRCh38, 1-based): chr7:44,254,621, A>T on the plus strand (T>A on the coding strand, the complement: CAMK2B is on the minus strand). VCF-style: chr7-44254621-A-T. GRCh37 (hg19) VCF-style: chr7-44294220-A-T.
Other names: c.276-14T>A (NM_172084.3, NM_172080.3, NM_172083.3 and 5 more transcripts).
Identifiers: ClinVar variation 1475010 (VCV001475010.8), dbSNP rs2129012334, ClinGen allele CA2573142153.
Genomic context (GRCh38, chr7:44,254,621, plus strand): 5'-AGTACTCTCTCGCCACAATGTCTTCAAAGAGCTCCCCACCAGTGACCCTATGGGAGAAGC[A>T]TGAAGGGGTCACAGATTCTGGAGACCCCTGTCACACTGCACTGTCACCTCCATTACTACC-3'

ClinVar aggregate classification (germline): Uncertain significance (1 of 4 stars; one submission).

Submission:

Labcorp Genetics (formerly Invitae), Labcorp
Classification: Uncertain significance. Last evaluated: 2021-05-04. Review status: criteria provided, single submitter. Criteria: Invitae Variant Classification Sherloc (09022015). Collection method: clinical testing. Allele origin: germline.
Comment: In summary, the available evidence is currently insufficient to determine the role of this variant in disease. Therefore, it has been classified as a Variant of Uncertain Significance. This variant is not present in population databases (ExAC no frequency). This variant has not been reported in the literature in individuals with CAMK2B-related conditions. Algorithms developed to predict the effect of sequence changes on RNA splicing suggest that this variant may create or strengthen a splice site, but this prediction has not been confirmed by published transcriptional studies. This sequence change falls in intron 4 of the CAMK2B gene. It does not directly change the encoded amino acid sequence of the CAMK2B protein.